The following is an entry in ClinVar:

ClinVar aggregate classification (germline): Uncertain significance (1 of 4 stars; one submission).

Conditions:
Inborn genetic diseases. Identifiers: MedGen C0950123, MeSH D030342.

gnomAD v4.1: 2 of 1,610,874 alleles (0.00012%); highest among the groups gnomAD compares: Non-Finnish European, 0.00017%; no homozygotes.

Submission:

Ambry Genetics
Classification: Uncertain significance for Inborn genetic diseases. Last evaluated: 2025-04-12. Review status: criteria provided, single submitter. Criteria: Ambry Variant Classification Scheme 2023. Collection method: clinical testing. Allele origin: germline.
Comment: The p.E199K variant (also known as c.595G>A), located in coding exon 2 of the LTBP3 gene, results from a G to A substitution at nucleotide position 595. The glutamic acid at codon 199 is replaced by lysine, an amino acid with similar properties. This amino acid position is conserved. In addition, this alteration is predicted to be tolerated by in silico analysis. Based on the available evidence, the clinical significance of this variant remains unclear.

NM_001130144.3(LTBP3):c.595G>A (p.Glu199Lys)

Gene: LTBP3 (latent transforming growth factor beta binding protein 3; minus strand). Cytogenetic location: 11q13.1.
Variant type: single nucleotide variant.
Coding change: c.595G>A on transcript NM_001130144.3 (MANE Select); coding-DNA position 595, G replaced by A.
Protein change: p.Glu199Lys; replaces glutamic acid 199 with lysine.
Molecular consequence: missense variant.
Genome position (GRCh38, 1-based): chr11:65,554,117, C>T on the plus strand (G>A on the coding strand, the complement: LTBP3 is on the minus strand). VCF-style: chr11-65554117-C-T. GRCh37 (hg19) VCF-style: chr11-65321588-C-T.
Other names: c.244G>A, p.Glu82Lys (NM_001164266.1); c.595G>A, p.Glu199Lys (NM_021070.4); short protein forms E82K, E199K.
Identifiers: ClinVar variation 4049867 (VCV004049867.1).